The following is an entry in ClinVar:

NM_001256864.2(DNAJC6):c.2044A>G (p.Ser682Gly)

Gene: DNAJC6 (DnaJ heat shock protein family (Hsp40) member C6; plus strand). Cytogenetic location: 1p31.3.
Variant type: single nucleotide variant.
Coding change: c.2044A>G on transcript NM_001256864.2 (MANE Select); coding-DNA position 2044, A replaced by G.
Protein change: p.Ser682Gly; replaces serine 682 with glycine.
Molecular consequence: missense variant.
Genome position (GRCh38, 1-based): chr1:65,398,818, A>G. VCF-style: chr1-65398818-A-G. GRCh37 (hg19) VCF-style: chr1-65864501-A-G.
Other names: c.1834A>G, p.Ser612Gly (NM_001256865.2); c.1873A>G, p.Ser625Gly (NM_014787.4); short protein forms S682G, S625G, S612G.
Identifiers: ClinVar variation 851922 (VCV000851922.5), dbSNP rs145175543, ClinGen allele CA894061.

ClinVar aggregate classification (germline): Uncertain significance (1 of 4 stars; one submission).

Conditions:
Juvenile onset Parkinson disease 19A. Also called: PARK19; DNAJC6 Parkinson Disease. Identifiers: Orphanet 391411, MedGen C3809811, MONDO:0014231, OMIM 615528.

Allele frequency attached by ClinVar (database versions not stated): gnomAD 0.00002 and 0.00003; gnomAD exomes 0.00002 and 0.00004; ExAC 0.00003; TOPMed 0.00003; ESP Exome Variant Server 0.00008; 1000 Genomes Project 30x 0.00016; 1000 Genomes Project 0.00020.
gnomAD v4.1: 45 of 1,614,092 alleles (0.0028%); highest among the groups gnomAD compares: East Asian, 0.027%; no homozygotes.

Submission:

Labcorp Genetics (formerly Invitae), Labcorp
Classification: Uncertain significance for Juvenile onset Parkinson disease 19A. Last evaluated: 2021-12-09. Review status: criteria provided, single submitter. Criteria: Invitae Variant Classification Sherloc (09022015). Collection method: clinical testing. Allele origin: germline.
Comment: This sequence change replaces serine, which is neutral and polar, with glycine, which is neutral and non-polar, at codon 682 of the DNAJC6 protein (p.Ser682Gly). This variant is present in population databases (rs145175543, gnomAD 0.03%). This variant has not been reported in the literature in individuals affected with DNAJC6-related conditions. ClinVar contains an entry for this variant (Variation ID: 851922). Algorithms developed to predict the effect of missense changes on protein structure and function (SIFT, PolyPhen-2, Align-GVGD) all suggest that this variant is likely to be tolerated. Algorithms developed to predict the effect of sequence changes on RNA splicing suggest that this variant may create or strengthen a splice site. In summary, the available evidence is currently insufficient to determine the role of this variant in disease. Therefore, it has been classified as a Variant of Uncertain Significance.